The following is an entry in ClinVar:

ClinVar aggregate classification (germline): Uncertain significance (1 of 4 stars; one submission).

Conditions:
Inborn genetic diseases. Identifiers: MedGen C0950123, MeSH D030342.

Submission:

Ambry Genetics
Classification: Uncertain significance for Inborn genetic diseases. Last evaluated: 2026-06-22. Review status: criteria provided, single submitter. Criteria: Ambry Variant Classification Scheme 2023. Collection method: clinical testing. Allele origin: germline.
Comment: The p.G189R variant (also known as c.565G>C), located in coding exon 4 of the ANKRD26 gene, results from a G to C substitution at nucleotide position 565. The glycine at codon 189 is replaced by arginine, an amino acid with dissimilar properties. This amino acid position is conserved. In addition, this alteration is predicted to be tolerated by in silico analysis. Based on the available evidence, the clinical significance of this variant remains unclear.

NM_014915.3(ANKRD26):c.565G>C (p.Gly189Arg)

Gene: ANKRD26 (ankyrin repeat domain 26; minus strand). Cytogenetic location: 10p12.1.
Variant type: single nucleotide variant.
Coding change: c.565G>C on transcript NM_014915.3 (MANE Select); coding-DNA position 565, G replaced by C.
Protein change: p.Gly189Arg; replaces glycine 189 with arginine.
Molecular consequence: missense variant.
Genome position (GRCh38, 1-based): chr10:27,092,479, C>G on the plus strand (G>C on the coding strand, the complement: ANKRD26 is on the minus strand). VCF-style: chr10-27092479-C-G. GRCh37 (hg19) VCF-style: chr10-27381408-C-G.
Other names: c.565G>C, p.Gly189Arg (NM_001256053.2); short protein forms G189R.
Identifiers: ClinVar variation 5022692 (VCV005022692.1).